The following is an entry in ClinVar:

NM_032383.5(HPS3):c.884+7T>C

Gene: HPS3 (HPS3 biogenesis of lysosomal organelles complex 2 subunit 1; plus strand). Cytogenetic location: 3q24.
Variant type: single nucleotide variant.
Coding change: c.884+7T>C on transcript NM_032383.5 (MANE Select); 7 bases into the intron after coding-DNA position 884, T replaced by C.
Molecular consequence: intron variant.
Genome position (GRCh38, 1-based): chr3:149,141,195, T>C. VCF-style: chr3-149141195-T-C. GRCh37 (hg19) VCF-style: chr3-148858982-T-C.
Other names: c.389+7T>C (NM_001308258.2); c.884+7T>C (NM_032383.4).
Identifiers: ClinVar variation 991439 (VCV000991439.14), dbSNP rs202215373, ClinGen allele CA2659898.

ClinVar aggregate classification (germline): Likely benign. Review status: criteria provided, multiple submitters, no conflicts (2 of 4 stars). 5 submissions from 5 submitters: Likely benign (3). 2 of the submissions do not count toward it. Last evaluated 2026-06-08.

Conditions:
HPS3-related disorder. Also called: HPS3-related condition.
Hermansky-Pudlak syndrome (HPS). Also called: ALBINISM WITH HEMORRHAGIC DIATHESIS AND PIGMENTED RETICULOENDOTHELIAL CELLS. Identifiers: Orphanet 79430, MedGen C0079504, MONDO:0019312.

Allele frequency attached by ClinVar (database versions not stated): gnomAD exomes 0.00004 and 0.00012; ExAC 0.00014; 1000 Genomes Project 30x 0.00016; 1000 Genomes Project 0.00020; ESP Exome Variant Server 0.00031; TOPMed 0.00046; gnomAD 0.00054 and 0.00058.
gnomAD v4.1: 119 of 1,514,930 alleles (0.0079%); highest among the groups gnomAD compares: African/African-American, 0.19%; 1 homozygote.

Submissions (5):

Women's Health and Genetics/Laboratory Corporation of America, LabCorp
Classification: Likely benign. Last evaluated: 2026-06-08. Review status: criteria provided, single submitter. Criteria: LabCorp Variant Classification Summary - May 2015. Collection method: clinical testing. Allele origin: germline.

Labcorp Genetics (formerly Invitae), Labcorp
Classification: Likely benign. Last evaluated: 2026-02-01. Review status: criteria provided, single submitter. Criteria: Invitae Variant Classification Sherloc (09022015). Collection method: clinical testing. Allele origin: germline.

Blueprint Genetics
Classification: Likely benign. Last evaluated: 2024-07-19. Review status: criteria provided, single submitter. Criteria: ACMG Guidelines, 2015. Collection method: clinical testing. Allele origin: germline.

Natera, Inc.
Classification: Benign for Hermansky-Pudlak syndrome. Last evaluated: 2020-08-03. Review status: no assertion criteria provided. Collection method: clinical testing. Allele origin: germline. Not counted in ClinVar's aggregate classification.

PreventionGenetics, part of Exact Sciences
Classification: Likely benign for HPS3-related condition. Last evaluated: 2019-08-28. Review status: no assertion criteria provided. Collection method: clinical testing. Allele origin: germline. Not counted in ClinVar's aggregate classification.
Comment: This variant is classified as likely benign based on ACMG/AMP sequence variant interpretation guidelines (Richards et al. 2015 PMID: 25741868, with internal and published modifications).